The following is an entry in ClinVar:

NM_032482.3(DOT1L):c.3929C>T (p.Thr1310Ile)

Gene: DOT1L (DOT1 like histone lysine methyltransferase; plus strand). Cytogenetic location: 19p13.3.
Variant type: single nucleotide variant.
Coding change: c.3929C>T on transcript NM_032482.3 (MANE Select); coding-DNA position 3929, C replaced by T.
Protein change: p.Thr1310Ile; replaces threonine 1310 with isoleucine.
Molecular consequence: missense variant.
Genome position (GRCh38, 1-based): chr19:2,226,450, C>T. VCF-style: chr19-2226450-C-T. GRCh37 (hg19) VCF-style: chr19-2226449-C-T.
Other names: c.3929C>T, p.Thr1310Ile (NM_001411141.1); short protein forms T1310I.
Identifiers: ClinVar variation 3371319 (VCV003371319.1).

ClinVar aggregate classification (germline): Uncertain significance (1 of 4 stars; one submission).

gnomAD v4.1: 1 of 1,601,768 alleles (0.000062%); highest among the groups gnomAD compares: Non-Finnish European, 0.000085%; no homozygotes.

Submission:

GeneDx
Classification: Uncertain significance. Last evaluated: 2024-03-27. Review status: criteria provided, single submitter. Criteria: GeneDx Variant Classification Process June 2021. Collection method: clinical testing. Allele origin: germline. Affected: yes.
Comment: Not observed at significant frequency in large population cohorts (gnomAD); In silico analysis supports that this missense variant has a deleterious effect on protein structure/function; Has not been previously published as pathogenic or benign to our knowledge